The following is an entry in ClinVar:

NM_001080449.3(DNA2):c.241A>G (p.Ile81Val)

Gene: DNA2 (DNA replication helicase/nuclease 2; minus strand). Cytogenetic location: 10q21.3.
Variant type: single nucleotide variant.
Coding change: c.241A>G on transcript NM_001080449.3 (MANE Select); coding-DNA position 241, A replaced by G.
Protein change: p.Ile81Val; replaces isoleucine 81 with valine.
Molecular consequence: missense variant. On other transcripts: non-coding transcript variant (1).
Genome position (GRCh38, 1-based): chr10:68,469,997, T>C on the plus strand (A>G on the coding strand, the complement: DNA2 is on the minus strand). VCF-style: chr10-68469997-T-C. GRCh37 (hg19) VCF-style: chr10-70229754-T-C.
Other names: short protein forms I81V.
Identifiers: ClinVar variation 4701064 (VCV004701064.1).

ClinVar aggregate classification (germline): Uncertain significance (1 of 4 stars; one submission).

gnomAD v4.1: 2 of 1,603,784 alleles (0.00012%); highest among the groups gnomAD compares: East Asian, 0.0045%; no homozygotes.

Submission:

Labcorp Genetics (formerly Invitae), Labcorp
Classification: Uncertain significance. Last evaluated: 2025-09-23. Review status: criteria provided, single submitter. Criteria: Invitae Variant Classification Sherloc (09022015). Collection method: clinical testing. Allele origin: germline.
Comment: This sequence change replaces isoleucine, which is neutral and non-polar, with valine, which is neutral and non-polar, at codon 81 of the DNA2 protein (p.Ile81Val). This variant is present in population databases (rs763073513, gnomAD 0.01%). This variant has not been reported in the literature in individuals affected with DNA2-related conditions. Invitae Evidence Modeling of protein sequence and biophysical properties (such as structural, functional, and spatial information, amino acid conservation, physicochemical variation, residue mobility, and thermodynamic stability) indicates that this missense variant is not expected to disrupt DNA2 protein function with a negative predictive value of 80%. In summary, the available evidence is currently insufficient to determine the role of this variant in disease. Therefore, it has been classified as a Variant of Uncertain Significance.